The following is an entry in ClinVar:

ClinVar aggregate classification (germline): Likely pathogenic (1 of 4 stars; one submission).

Conditions:
Autosomal dominant non-syndromic intellectual disability. Identifiers: Orphanet 178469, MedGen C5680502, MONDO:0015802.

gnomAD v4.1: 1 of 1,610,904 alleles (0.000062%); no homozygotes.

Submission:

Department of Human Genetics, University Hospital Bern, Inselspital
Classification: Likely pathogenic for Autosomal dominant non-syndromic intellectual disability. Last evaluated: 2026-03-23. Review status: criteria provided, single submitter. Criteria: ACMG Guidelines, 2015. Collection method: research. Allele origin: de novo. Affected: yes.
Comment: The variant leads to an early stop codon likely resulting in nonsense-mediated mRNA decay. In summary, criteria PVS1 and PS2_Supporting were used.

NM_001113407.3(LDB1):c.607C>T (p.Gln203Ter)

Gene: LDB1 (LIM domain binding 1; minus strand). Cytogenetic location: 10q24.32.
Variant type: single nucleotide variant.
Coding change: c.607C>T on transcript NM_001113407.3 (MANE Select); coding-DNA position 607, C replaced by T.
Protein change: p.Gln203Ter; replaces glutamine 203 with a stop codon.
Molecular consequence: nonsense.
Genome position (GRCh38, 1-based): chr10:102,109,962, G>A on the plus strand (C>T on the coding strand, the complement: LDB1 is on the minus strand). VCF-style: chr10-102109962-G-A. GRCh37 (hg19) VCF-style: chr10-103869719-G-A.
Other names: c.607C>T, p.Gln203Ter (NM_001321612.2); c.499C>T, p.Gln167Ter (NM_003893.5); short protein forms Q167*, Q203*.
Identifiers: ClinVar variation 4818734 (VCV004818734.1).